The following is an entry in ClinVar:

ClinVar aggregate classification (germline): Uncertain significance. Review status: criteria provided, multiple submitters, no conflicts (2 of 4 stars). 2 submissions from 2 submitters: Uncertain significance (2). Last evaluated 2025-02-20.

Conditions:
Febrile seizures, familial, 11 (FEB11). Also called: CONVULSIONS, FAMILIAL FEBRILE, 11. Identifiers: MedGen C3280734, MONDO:0024566, OMIM 614418.

Allele frequency attached by ClinVar (database versions not stated): gnomAD exomes below 0.00001.
gnomAD v4.1: 5 of 1,608,068 alleles (0.00031%); highest among the groups gnomAD compares: Middle Eastern, 0.05%; no homozygotes.

Submissions (2):

Ambry Genetics
Classification: Uncertain significance. Last evaluated: 2025-02-20. Review status: criteria provided, single submitter. Criteria: Ambry Variant Classification Scheme 2023. Collection method: clinical testing. Allele origin: germline.

Labcorp Genetics (formerly Invitae), Labcorp
Classification: Uncertain significance for Febrile seizures, familial, 11. Last evaluated: 2019-03-21. Review status: criteria provided, single submitter. Criteria: Invitae Variant Classification Sherloc (09022015). Collection method: clinical testing. Allele origin: germline.
Comment: In summary, the available evidence is currently insufficient to determine the role of this variant in disease. Therefore, it has been classified as a Variant of Uncertain Significance. Algorithms developed to predict the effect of missense changes on protein structure and function (SIFT, PolyPhen-2, Align-GVGD) all suggest that this variant is likely to be tolerated, but these predictions have not been confirmed by published functional studies and their clinical significance is uncertain. This variant has not been reported in the literature in individuals with CPA6-related conditions. This variant is not present in population databases (ExAC no frequency). This sequence change replaces threonine with alanine at codon 373 of the CPA6 protein (p.Thr373Ala). The threonine residue is weakly conserved and there is a small physicochemical difference between threonine and alanine.

NM_020361.5(CPA6):c.1117A>G (p.Thr373Ala)

Genes: ARFGEF1-DT (ARFGEF1 divergent transcript; plus strand), CPA6 (carboxypeptidase A6; minus strand). Cytogenetic location: 8q13.2.
Variant type: single nucleotide variant.
Coding change: c.1117A>G on transcript NM_020361.5 (MANE Select); coding-DNA position 1117, A replaced by G.
Protein change: p.Thr373Ala; replaces threonine 373 with alanine.
Molecular consequence: missense variant.
Genome position (GRCh38, 1-based): chr8:67,428,056, T>C on the plus strand (A>G on the coding strand, the complement: CPA6 is on the minus strand). VCF-style: chr8-67428056-T-C. GRCh37 (hg19) VCF-style: chr8-68340291-T-C.
Other names: short protein forms T373A.
Identifiers: ClinVar variation 862883 (VCV000862883.10), dbSNP rs1809932997, ClinGen allele CA371259896.
Genomic context (GRCh38, chr8:67,428,056, plus strand): 5'-GATATTGGTTCAAGAGAGAGGATTCTAACACAATGTACGCAGGAAACTTACACAACGTTG[T>C]GGAGGCTGGTCCATATCTGTATCGTACCCCGTATACTGACTGAAGTGCATTCACAGCTTT-3'
Protein context (NP_065094.3, residues 363-383): GVRYRYGPAS[Thr373Ala]TLYVSSGSSM